The following continues an entry in ClinVar:

NM_001048174.2(MUTYH):c.800C>T (p.Pro267Leu)

Gene: MUTYH. ClinVar aggregate classification (germline): Pathogenic/Likely pathogenic. Pathogenic (17); Likely pathogenic (3).

Submissions 10 to 26 of 26:

Color Diagnostics, LLC DBA Color Health
Classification: Pathogenic for Hereditary cancer-predisposing syndrome. Last evaluated: 2024-02-02. Review status: criteria provided, single submitter. Criteria: ACMG Guidelines, 2015. Collection method: clinical testing. Allele origin: germline.
Comment: This missense variant replaces proline with leucine at codon 295 in the FeS cluster domain of the MUTYH protein. Computational prediction suggests that this variant may have deleterious impact on protein structure and function. Functional studies have shown that this variant has a deleterious impact on mismatch repair and DNA-binding (PMID: 18534194, 26377631). This variant has been reported in the homozygous state or compound heterozygous state in individuals affected with MUTYH-associated polyposis (PMID: 16557584, 16941501, 17219385, 19032956, 20618354, 29406563, 35238777). This variant has also been reported in individuals affected with colorectal cancer (PMID: 32658311, 33980423, 34271781) and breast cancer (PMID: 33471991, 33980423, 35089076, 35734982, 36368126; DOI: 10.14744/ejmo.2022.88057). This variant has been identified in 3/251116 chromosomes in the general population by the Genome Aggregation Database (gnomAD). Based on the available evidence, this variant is classified as Pathogenic.

Baylor Genetics
Classification: Pathogenic for Familial adenomatous polyposis 2. Last evaluated: 2024-01-31. Review status: criteria provided, single submitter. Criteria: ACMG Guidelines, 2015. Collection method: clinical testing. Allele origin: unknown.

GeneDx
Classification: Pathogenic. Last evaluated: 2023-08-25. Review status: criteria provided, single submitter. Criteria: GeneDx Variant Classification Process June 2021. Collection method: clinical testing. Allele origin: germline. Affected: yes.
Comment: Published functional studies demonstrate a damaging effect: defective DNA binding capability, compromised base excision activity, and near absent glycosylase activity (Ali et al., 2008; Brinkmeyer et al., 2015; Komine et al., 2015); Observed in both the homozygous and compound heterozygous state in individuals affected with MUTYH Associated Polyposis (Jones et al., 2009; Nielsen et al., 2009; Vogt et al., 2009; Morak et al., 2010); Not observed at significant frequency in large population cohorts (gnomAD); In silico analysis supports that this missense variant has a deleterious effect on protein structure/function; This variant is associated with the following publications: (PMID: 25820570, 18534194, 30604180, 34637943, 16941501, 19032956, 19394335, 20618354, 23507534, 26377631, 19732775, 31159747, 32231684, 30291343, 32283892, 34426522, 31589614, 30787465, 29406563, 35089076, 33980423, 34271781, 35238777, 35418818, 17219385, 36368126, 35734982, 35261632, 11092888, 11160897, 16879101, 20816984, 37065479, 37453313, 16557584)

Intergen Genetics and Rare Diseases Diagnosis Center
Classification: Pathogenic for Familial adenomatous polyposis 2. Last evaluated: 2023-07-26. Review status: criteria provided, single submitter. Criteria: ACMG Guidelines, 2015. Collection method: clinical testing. Allele origin: germline. Inheritance: Autosomal recessive inheritance. Affected: no. Observed: 1 heterozygote.

Human Genetics Bochum, Ruhr University Bochum
Classification: Pathogenic for Familial adenomatous polyposis 2. Last evaluated: 2023-02-20. Review status: criteria provided, single submitter. Criteria: ACMG Guidelines, 2015. Collection method: clinical testing. Allele origin: germline. Affected: yes.
Comment: ACMG criteria used to clasify this variant:PS3, PP3_STR, PS4_MOD, PM2_SUP

Clinical Genetics Laboratory, Skane University Hospital Lund
Classification: Pathogenic. Last evaluated: 2022-08-29. Review status: criteria provided, single submitter. Criteria: ACMG Guidelines, 2015. Collection method: clinical testing. Allele origin: germline. Affected: yes.

Sema4
Classification: Pathogenic for Hereditary cancer-predisposing syndrome. Last evaluated: 2022-02-05. Review status: criteria provided, single submitter. Criteria: Sema4 Curation Guidelines. Collection method: curation. Allele origin: germline.
Comment: The MUTYH c.884C>T (p.P295L) variant has been reported as homozygous and as compound heterozygous in numerous individuals with polyposis and/or colorectal cancer (PMID: 17219385, 19732775, 20618354). This variant is also known as P281L in the literature. In silico tools suggest the impact of the variant on protein function is deleterious and functional studies indicate that this variant results in severely defective DNA binding and glycosylase activity in vitro (PMID: 25820570, 26377631,18534194). This variant was observed in 3/113520 chromosomes in the Non-Finnish European population according to the Genome Aggregation Database (PMID: 32461654). The variant has been reported in ClinVar (Variation ID: 185242). Based on the current evidence available, this variant is interpreted as pathogenic.

Institute of Medical Genetics and Applied Genomics, University Hospital Tübingen
Classification: Pathogenic. Last evaluated: 2021-06-17. Review status: criteria provided, single submitter. Criteria: ACMG Guidelines, 2015. Collection method: clinical testing. Allele origin: germline. Inheritance: Autosomal recessive inheritance. Affected: yes.

GeneKor MSA
Classification: Likely pathogenic for Hereditary cancer-predisposing syndrome. Last evaluated: 2021-01-09. Review status: criteria provided, single submitter. Criteria: ACMG Guidelines, 2015. Collection method: clinical testing. Allele origin: germline. Affected: yes.
Comment: This missense mutation results in the substitution of amino acid Proline with Leucine at codon 295 of the MUTYH protein. The proline residue is highly conserved and there is physiochemical difference between proline and Leucine (Grantham Score 98). This variant is present at low frequency in population databases (rs374950566, ExAC <0.01%). Additionally, it has been reported in the literature in individuals affected with polyposis and/or colorectal cancer (PMID: 19732775, PMID: 19394335, PMID: 19032956, PMID: 17219385, PMID: 16557584). Experimental studies have confirmed the disrupting effect of this variant in the protein function (PMID: 25820570, PMID: 26377631). The mutation database ClinVar contains entries for this variant (Variation ID: 185242).

Department of Pathology and Laboratory Medicine, Sinai Health System
Classification: Pathogenic for Familial adenomatous polyposis 2. Last evaluated: 2019-04-01. Review status: criteria provided, single submitter. Criteria: ACMG Guidelines, 2015. Collection method: research. Allele origin: germline.

Clinical Genetics and Genomics, Karolinska University Hospital
Classification: Likely pathogenic. Last evaluated: 2019-02-11. Review status: criteria provided, single submitter. Criteria: ACMG Guidelines, 2015. Collection method: clinical testing. Allele origin: germline. Affected: yes. Observed: 17 variant alleles.

Medical Genetics Laboratory, Umraniye Training and Research Hospital, University of Health Sciences
Classification: Pathogenic for Breast carcinoma. Last evaluated: 2021-08-08. Review status: no assertion criteria provided. Collection method: clinical testing. Allele origin: germline. Inheritance: Autosomal recessive inheritance. Affected: yes. Observed: 1 variant allele, 1 heterozygote. Not counted in ClinVar's aggregate classification.

Counsyl
Classification: Likely pathogenic for Familial adenomatous polyposis 2. Last evaluated: 2017-12-22. Review status: no assertion criteria provided. Collection method: clinical testing. Allele origin: unknown. Not counted in ClinVar's aggregate classification.

Clinical Genetics, Academic Medical Center
Classification: Pathogenic. Review status: no assertion criteria provided. Collection method: clinical testing. Allele origin: germline. Affected: yes. Study: VKGL Data-share Consensus. Not counted in ClinVar's aggregate classification.

Department of Pathology and Laboratory Medicine, Sinai Health System
Classification: Pathogenic for Carcinoma of colon. Review status: no assertion criteria provided. Collection method: clinical testing. Allele origin: unknown. Affected: yes. Observed: 3 variant alleles. Study: The Canadian Open Genetics Repository (COGR). Not counted in ClinVar's aggregate classification.
Comment: The MUTYH p.Pro295Leu variant has been reported in 5 probands with multiple adenoma polyposis (MAP) (Lejeune 2006, Jones 2009). All of these probands were homozygous or compound heterozygous. The variant has also been found in a homozygous state in an individual with MAP (Jones 2009). The MUTYH p.Pro295Leu variant was identified in 8 of 1126 proband chromosomes (frequency: 0.007 from individuals or families with multiple adenoma polyposis (MAP) and was not identified in 100 control chromosomes from healthy individuals (Aretz 2006, Croitoru 2007, Lejeune 2006, Vogt 2009); however, an insufficient number of controls were included in these studies to determine the frequency of this variant in the general population. The variant was also identified in HGMD, â€šÃ„ÃºInSiGHT Colon Cancer Databaseâ€šÃ„Ã¹ and UMD (4X as a causal variant). The variant was identified by the Exome Variant Server project in 1 of 4405 African American alleles (frequency: 0.0002), although this low number of observations and low frequency is not substantive enough to determine the prevalence of the variant in the general population and its relationship to disease. The p.Pro295 residue is conserved across mammals and lower organisms, and computational analyses (PolyPhen-2, SIFT, AlignGVGD, and BLOSUM) suggest that the p.Pro295Leu variant may impact the protein. Lejeune (2006) notes that this variant is located in an important functional domain involved in substrate binding and catalysis, and an in vitro functional study demonstrated that the p.Pro295Leu variant was severely defective in both glycosylase and DNA binding (Ali 2008). In summary, based on the above information, this variant meets our laboratoryâ€šÃ„Ã´s criteria to be classified as pathogenic.

Genome Diagnostics Laboratory, Amsterdam University Medical Center
Classification: Pathogenic. Review status: no assertion criteria provided. Collection method: clinical testing. Allele origin: germline. Affected: yes. Study: VKGL Data-share Consensus. Not counted in ClinVar's aggregate classification.

Joint Genome Diagnostic Labs from Nijmegen and Maastricht, Radboudumc and MUMC+
Classification: Pathogenic. Review status: no assertion criteria provided. Collection method: clinical testing. Allele origin: germline. Affected: yes. Study: VKGL Data-share Consensus. Not counted in ClinVar's aggregate classification.

Literature cited by the submitters: PubMed 19732775 (cited by 6 submitters); PubMed 18534194 (cited by 8 submitters); PubMed 25820570 (cited by 7 submitters); PubMed 26377631 (cited by 8 submitters); PubMed 16557584 (cited by 3 submitters); PubMed 16941501 (cited by 4 submitters); PubMed 17219385 (cited by 4 submitters); PubMed 19032956 (cited by 3 submitters); PubMed 19394335 (cited by Ambry Genetics); PubMed 20618354 (cited by 5 submitters); PubMed 29406563 (cited by 4 submitters); PubMed 35734982 (cited by 3 submitters); PubMed 30604180 (cited by Center for Genomic Medicine, Rigshospitalet, Copenhagen University Hospital and Quest Diagnostics Nichols Institute San Juan Capistrano); PubMed 32283892 (cited by Quest Diagnostics Nichols Institute San Juan Capistrano); PubMed 34326862 (cited by Quest Diagnostics Nichols Institute San Juan Capistrano); PubMed 34637943 (cited by Quest Diagnostics Nichols Institute San Juan Capistrano); PubMed 35418818 (cited by Quest Diagnostics Nichols Institute San Juan Capistrano); PubMed 31159747 (cited by Quest Diagnostics Nichols Institute San Juan Capistrano); PubMed 32658311 (cited by All of Us Research Program, National Institutes of Health and Color Diagnostics, LLC DBA Color Health); PubMed 33471991 (cited by All of Us Research Program, National Institutes of Health and Color Diagnostics, LLC DBA Color Health); PubMed 33980423 (cited by All of Us Research Program, National Institutes of Health and Color Diagnostics, LLC DBA Color Health); PubMed 34271781 (cited by All of Us Research Program, National Institutes of Health and Color Diagnostics, LLC DBA Color Health); PubMed 35089076 (cited by All of Us Research Program, National Institutes of Health and Color Diagnostics, LLC DBA Color Health); PubMed 35238777 (cited by All of Us Research Program, National Institutes of Health and Color Diagnostics, LLC DBA Color Health); PubMed 36368126 (cited by Color Diagnostics, LLC DBA Color Health).